The following is an entry in ClinVar:

ClinVar aggregate classification (germline): Uncertain significance (1 of 4 stars; one submission).

Allele frequency attached by ClinVar (database versions not stated): gnomAD exomes below 0.00001.
gnomAD v4.1: 1 of 1,585,284 alleles (0.000063%); highest among the groups gnomAD compares: Non-Finnish European, 0.000085%; no homozygotes.

Submission:

Labcorp Genetics (formerly Invitae), Labcorp
Classification: Uncertain significance. Last evaluated: 2022-08-17. Review status: criteria provided, single submitter. Criteria: Invitae Variant Classification Sherloc (09022015). Collection method: clinical testing. Allele origin: germline.
Comment: In summary, the available evidence is currently insufficient to determine the role of this variant in disease. Therefore, it has been classified as a Variant of Uncertain Significance. Algorithms developed to predict the effect of missense changes on protein structure and function output the following: SIFT: "Tolerated"; PolyPhen-2: "Benign"; Align-GVGD: "Class C0". The glutamic acid amino acid residue is found in multiple mammalian species, which suggests that this missense change does not adversely affect protein function. This variant has not been reported in the literature in individuals affected with NCKAP1L-related conditions. This variant is not present in population databases (gnomAD no frequency). This sequence change replaces lysine, which is basic and polar, with glutamic acid, which is acidic and polar, at codon 530 of the NCKAP1L protein (p.Lys530Glu).

NM_005337.5(NCKAP1L):c.1588A>G (p.Lys530Glu)

Gene: NCKAP1L (NCK associated protein 1 like; plus strand). Cytogenetic location: 12q13.2.
Variant type: single nucleotide variant.
Coding change: c.1588A>G on transcript NM_005337.5 (MANE Select); coding-DNA position 1588, A replaced by G.
Protein change: p.Lys530Glu; replaces lysine 530 with glutamic acid.
Molecular consequence: missense variant.
Genome position (GRCh38, 1-based): chr12:54,519,295, A>G. VCF-style: chr12-54519295-A-G. GRCh37 (hg19) VCF-style: chr12-54913079-A-G.
Other names: c.1438A>G, p.Lys480Glu (NM_001184976.2); short protein forms K530E, K480E.
Identifiers: ClinVar variation 2024422 (VCV002024422.4), dbSNP rs2498601313, ClinGen allele CA385137682.
Genomic context (GRCh38, chr12:54,519,295, plus strand): 5'-GACTTAGCCAAGGTGATGAACCTCATTGTCTTCCACTCCCGAATGCTGGACTCCGTAGAA[A>G]AATTGCTGGTGGAAACTTCTGATCTGTCTACTTTCTGGTATGTCTTGGTTCAGAGCTCTC-3'
Protein context (NP_005328.2, residues 520-540): FHSRMLDSVE[Lys530Glu]LLVETSDLST